The following is an entry in ClinVar:

NM_000787.4(DBH):c.1572C>T (p.Asn524=)

Genes: DBH (dopamine beta-hydroxylase; plus strand), DBH-AS1 (DBH antisense RNA 1; minus strand). Cytogenetic location: 9q34.2.
Variant type: single nucleotide variant.
Coding change: c.1572C>T on transcript NM_000787.4 (MANE Select); coding-DNA position 1572, C replaced by T.
Protein change: p.Asn524=; no amino-acid change (asparagine 524 retained).
Molecular consequence: synonymous variant.
Genome position (GRCh38, 1-based): chr9:133,657,079, C>T. VCF-style: chr9-133657079-C-T. GRCh37 (hg19) VCF-style: chr9-136522201-C-T.
Identifiers: ClinVar variation 365669 (VCV000365669.15), dbSNP rs200509113, ClinGen allele CA5313615.

ClinVar aggregate classification (germline): Benign/Likely benign. Review status: criteria provided, multiple submitters, no conflicts (2 of 4 stars). 3 submissions from 3 submitters: Benign (1); Likely benign (2). Last evaluated 2026-01-08.

Conditions:
Orthostatic hypotension 1 (ORTHYP1). Also called: Dopamine beta-hydroxylase deficiency; Orthostatic hypotension 1, due to DBH deficiency; NORADRENALINE DEFICIENCY; NOREPINEPHRINE DEFICIENCY. Identifiers: Orphanet 230, MedGen C4746777, MONDO:0009123, OMIM 223360.

Allele frequency attached by ClinVar (database versions not stated): gnomAD 0.00008 and 0.00020; TOPMed 0.00008; gnomAD exomes 0.00033 and 0.00065; ExAC 0.00075; 1000 Genomes Project 30x 0.00156; 1000 Genomes Project 0.00180.
gnomAD v4.1: 523 of 1,613,914 alleles (0.032%); highest among the groups gnomAD compares: South Asian, 0.5%; 7 homozygotes.

Submissions (3):

Labcorp Genetics (formerly Invitae), Labcorp
Classification: Benign for Orthostatic hypotension 1. Last evaluated: 2026-01-08. Review status: criteria provided, single submitter. Criteria: Invitae Variant Classification Sherloc (09022015). Collection method: clinical testing. Allele origin: germline.

Illumina Laboratory Services, Illumina
Classification: Likely benign for Orthostatic hypotension 1. Last evaluated: 2018-01-13. Review status: criteria provided, single submitter. Criteria: ICSL Variant Classification Criteria 13 December 2019. Collection method: clinical testing. Allele origin: germline.
Comment: This variant was observed in the ICSL laboratory as part of a predisposition screen in an ostensibly healthy population. It had not been previously curated by ICSL or reported in the Human Gene Mutation Database (HGMD: prior to June 1st, 2018), and was therefore a candidate for classification through an automated scoring system. Utilizing variant allele frequency, disease prevalence and penetrance estimates, and inheritance mode, an automated score was calculated to assess if this variant is too frequent to cause the disease. Based on the score and internal cut-off values, a variant classified as likely benign is not then subjected to further curation. The score for this variant resulted in a classification of likely benign for this disease.

Breakthrough Genomics
Classification: Likely benign. Review status: criteria provided, single submitter. Criteria: ACMG Guidelines, 2015. Collection method: not provided. Allele origin: germline. Inheritance: Autosomal recessive inheritance. Affected: yes.